The following is an entry in ClinVar:

NM_003106.4(SOX2):c.167G>C (p.Arg56Pro)

Genes: SOX2 (SRY-box transcription factor 2; plus strand), SOX2-OT (SOX2 overlapping transcript; plus strand), LOC108281177 (SOX2 5' regulatory region; plus strand). Cytogenetic location: 3q26.33.
Variant type: single nucleotide variant.
Coding change: c.167G>C on transcript NM_003106.4 (MANE Select); coding-DNA position 167, G replaced by C.
Protein change: p.Arg56Pro; replaces arginine 56 with proline.
Molecular consequence: missense variant.
Genome position (GRCh38, 1-based): chr3:181,712,527, G>C. VCF-style: chr3-181712527-G-C. GRCh37 (hg19) VCF-style: chr3-181430315-G-C.
Other names: short protein forms R56P.
Identifiers: ClinVar variation 1878615 (VCV001878615.1), dbSNP rs2473717315, ClinGen allele CA355473271.

ClinVar aggregate classification (germline): Uncertain significance (1 of 4 stars; one submission).

Conditions:
Anophthalmia/microphthalmia-esophageal atresia syndrome (MCOPS3). Also called: SOX2 Disorder; MICROPHTHALMIA AND ESOPHAGEAL ATRESIA SYNDROME; AEG SYNDROME. Identifiers: Orphanet 77298, MedGen C1859773, MONDO:0008799, OMIM 206900.

Submission:

Neuberg Centre For Genomic Medicine, NCGM
Classification: Uncertain significance for Anophthalmia/microphthalmia-esophageal atresia syndrome. Review status: criteria provided, single submitter. Criteria: ACMG Guidelines, 2015. Collection method: clinical testing. Allele origin: germline. Affected: yes.
Comment: The missense variant p.R56P in SOX2 (NM_003106.4) has not been reported previously as a pathogenic variant nor as a benign variant, to our knowledge. The p.R56P variant is novel (not in any individuals) in gnomAD Exomes and is novel (not in any individuals) in 1000 Genomes. There is a moderate physicochemical difference between arginine and proline. The p.R56P missense variant is predicted to be damaging by both SIFT and PolyPhen2. The arginine residue at codon 56 of SOX2 is conserved in all mammalian species. The nucleotide c.167 in SOX2 is predicted conserved by GERP++ and PhyloP across 100 vertebrates. For these reasons, this variant has been classified as Uncertain Significance.